The following is an entry in ClinVar:

ClinVar aggregate classification (germline): Uncertain significance (1 of 4 stars; one submission).

Conditions:
Ataxia-telangiectasia syndrome (AT). Also called: LOUIS-BAR SYNDROME; Ataxia-telangiectasia, complementation group D; ATAXIA-TELANGIECTASIA, COMPLEMENTATION GROUP A; ATAXIA-TELANGIECTASIA, FRESNO VARIANT; Ataxia-telangiectasia; Ataxia telangiectasia (A-T). Identifiers: Orphanet 100, MedGen C0004135, MONDO:0008840, OMIM 208900.

Submission:

Labcorp Genetics (formerly Invitae), Labcorp
Classification: Uncertain significance for Ataxia-telangiectasia syndrome. Last evaluated: 2023-01-19. Review status: criteria provided, single submitter. Criteria: Invitae Variant Classification Sherloc (09022015). Collection method: clinical testing. Allele origin: germline.
Comment: In summary, the available evidence is currently insufficient to determine the role of this variant in disease. Therefore, it has been classified as a Variant of Uncertain Significance. Algorithms developed to predict the effect of missense changes on protein structure and function (SIFT, PolyPhen-2, Align-GVGD) all suggest that this variant is likely to be tolerated. This variant has not been reported in the literature in individuals affected with ATM-related conditions. This variant is not present in population databases (gnomAD no frequency). This sequence change replaces aspartic acid, which is acidic and polar, with glutamic acid, which is acidic and polar, at codon 1511 of the ATM protein (p.Asp1511Glu).

NM_000051.4(ATM):c.4533T>A (p.Asp1511Glu)

Gene: ATM (ATM serine/threonine kinase; plus strand). Cytogenetic location: 11q22.3.
Variant type: single nucleotide variant.
Coding change: c.4533T>A on transcript NM_000051.4 (MANE Select); coding-DNA position 4533, T replaced by A.
Protein change: p.Asp1511Glu; replaces aspartic acid 1511 with glutamic acid.
Molecular consequence: missense variant.
Genome position (GRCh38, 1-based): chr11:108,292,715, T>A. VCF-style: chr11-108292715-T-A. GRCh37 (hg19) VCF-style: chr11-108163442-T-A.
Other names: c.4533T>A, p.Asp1511Glu (NM_001351834.2); short protein forms D1511E.
Identifiers: ClinVar variation 2830183 (VCV002830183.3), dbSNP rs2082866703, ClinGen allele CA382533718.